The following is an entry in ClinVar:

ClinVar aggregate classification (germline): Uncertain significance (1 of 4 stars; one submission).

Conditions:
Familial hemophagocytic lymphohistiocytosis 3 (FHL3). Also called: UNC13D-Related Familial Hemophagocytic Lymphohistiocytosis (UNC13D-fHLH). Identifiers: Orphanet 540, MedGen C1837174, MONDO:0012146, OMIM 608898.

Submission:

Labcorp Genetics (formerly Invitae), Labcorp
Classification: Uncertain significance for Familial hemophagocytic lymphohistiocytosis 3. Last evaluated: 2021-10-08. Review status: criteria provided, single submitter. Criteria: Invitae Variant Classification Sherloc (09022015). Collection method: clinical testing. Allele origin: germline.
Comment: In summary, the available evidence is currently insufficient to determine the role of this variant in disease. Therefore, it has been classified as a Variant of Uncertain Significance. Algorithms developed to predict the effect of missense changes on protein structure and function are either unavailable or do not agree on the potential impact of this missense change (SIFT: "Not Available"; PolyPhen-2: "Benign"; Align-GVGD: "Not Available"). This variant has not been reported in the literature in individuals affected with UNC13D-related conditions. This variant is not present in population databases (ExAC no frequency). This sequence change replaces lysine with asparagine at codon 847 of the UNC13D protein (p.Lys847Asn). The lysine residue is weakly conserved and there is a moderate physicochemical difference between lysine and asparagine.

NM_199242.3(UNC13D):c.2541G>T (p.Lys847Asn)

Gene: UNC13D (unc-13 homolog D; minus strand). Cytogenetic location: 17q25.1.
Variant type: single nucleotide variant.
Coding change: c.2541G>T on transcript NM_199242.3 (MANE Select); coding-DNA position 2541, G replaced by T.
Protein change: p.Lys847Asn; replaces lysine 847 with asparagine.
Molecular consequence: missense variant.
Genome position (GRCh38, 1-based): chr17:75,831,255, C>A on the plus strand (G>T on the coding strand, the complement: UNC13D is on the minus strand). VCF-style: chr17-75831255-C-A. GRCh37 (hg19) VCF-style: chr17-73827336-C-A.
Other names: short protein forms K847N.
Identifiers: ClinVar variation 1408788 (VCV001408788.6), dbSNP rs2143867438, ClinGen allele CA401081913.
Genomic context (GRCh38, chr17:75,831,255, plus strand): 5'-CAGGCACCCTCCCACCAGGGTTATCATTGCTGTGACCGGTTCTGTTACCTGCAGGGCAAT[C>A]TTCAGCCTGTTGGAAGCCAGGGATGAGCTGCGCTGGGAGGCGGCCGCCTCCACCAGCACT-3'
Protein context (NP_954712.1, residues 837-857): RSSSLASNRL[Lys847Asn]IALQNLEICF